The following is an entry in ClinVar:

ClinVar aggregate classification (germline): Uncertain significance (1 of 4 stars; one submission).

Conditions:
Neuropathy, hereditary sensory and autonomic, type 2A (HSAN2A). Also called: WNK1-Related HSAN2 (HSAN2A); ACROOSTEOLYSIS, GIACCAI TYPE; ACROOSTEOLYSIS, NEUROGENIC; MORVAN DISEASE; NEUROPATHY, CONGENITAL SENSORY; NEUROPATHY, HEREDITARY SENSORY RADICULAR, AUTOSOMAL RECESSIVE. Identifiers: Orphanet 970, MedGen C2752089, MONDO:0024309, OMIM 201300.
Pseudohypoaldosteronism type 2C (PHA2C). Also called: Pseudohypoaldosteronism Type IIC. Identifiers: Orphanet 757, Orphanet 88940, MedGen C1840391, MONDO:0013778, OMIM 614492.

gnomAD v4.1: 7 of 1,612,374 alleles (0.00043%); highest among the groups gnomAD compares: East Asian, 0.013%; no homozygotes.

Submission:

Labcorp Genetics (formerly Invitae), Labcorp
Classification: Uncertain significance for Neuropathy, hereditary sensory and autonomic, type 2A; Pseudohypoaldosteronism type 2C. Last evaluated: 2025-11-18. Review status: criteria provided, single submitter. Criteria: Invitae Variant Classification Sherloc (09022015). Collection method: clinical testing. Allele origin: germline.
Comment: This sequence change replaces arginine, which is basic and polar, with serine, which is neutral and polar, at codon 530 of the WNK1 protein (p.Arg530Ser). This variant is present in population databases (rs771682835, gnomAD 0.03%). This variant has not been reported in the literature in individuals affected with WNK1-related conditions. Invitae Evidence Modeling of protein sequence and biophysical properties (such as structural, functional, and spatial information, amino acid conservation, physicochemical variation, residue mobility, and thermodynamic stability) indicates that this missense variant is not expected to disrupt WNK1 protein function with a negative predictive value of 95%. In summary, the available evidence is currently insufficient to determine the role of this variant in disease. Therefore, it has been classified as a Variant of Uncertain Significance.

NM_018979.4(WNK1):c.1590A>C (p.Arg530Ser)

Gene: WNK1 (WNK lysine deficient protein kinase 1; plus strand). Cytogenetic location: 12p13.33.
Variant type: single nucleotide variant.
Coding change: c.1590A>C on transcript NM_018979.4 (MANE Select); coding-DNA position 1590, A replaced by C.
Protein change: p.Arg530Ser; replaces arginine 530 with serine.
Molecular consequence: missense variant.
Genome position (GRCh38, 1-based): chr12:859,434, A>C. VCF-style: chr12-859434-A-C. GRCh37 (hg19) VCF-style: chr12-968600-A-C.
Other names: c.1590A>C, p.Arg530Ser (NM_001184985.2, NM_014823.3, NM_213655.5); short protein forms R530S.
Identifiers: ClinVar variation 4782544 (VCV004782544.1).